The following is an entry in ClinVar:

ClinVar aggregate classification (germline): Uncertain significance (1 of 4 stars; one submission).

Conditions:
Autosomal recessive limb-girdle muscular dystrophy type 2J (LGMDR10). Also called: Limb-girdle muscular dystrophy, type 2J; MUSCULAR DYSTROPHY, LIMB-GIRDLE, AUTOSOMAL RECESSIVE 10. Identifiers: Orphanet 140922, MedGen C1837342, MONDO:0012127, OMIM 608807.
Dilated cardiomyopathy 1G (CMD1G). Identifiers: Orphanet 154, MedGen C1858763, MONDO:0011400, OMIM 604145.

Submission:

Labcorp Genetics (formerly Invitae), Labcorp
Classification: Uncertain significance for Dilated cardiomyopathy 1G; Autosomal recessive limb-girdle muscular dystrophy type 2J. Last evaluated: 2022-01-26. Review status: criteria provided, single submitter. Criteria: Invitae Variant Classification Sherloc (09022015). Collection method: clinical testing. Allele origin: germline.
Comment: This variant is located in the A band of TTN (PMID: 25589632). Variants in this region may be relevant for cardiac or neuromuscular disorders (PMID: 25589632, 23975875). In summary, the available evidence is currently insufficient to determine the role of this variant in disease. Therefore, it has been classified as a Variant of Uncertain Significance. This variant disrupts the p.Ala31784 amino acid residue in TTN. Other variant(s) that disrupt this residue have been determined to be pathogenic (PMID: 30666435; Invitae). This suggests that this residue is clinically significant, and that variants that disrupt this residue are likely to be disease-causing. Experimental studies and prediction algorithms are not available or were not evaluated, and the functional significance of this variant is currently unknown. This variant has not been reported in the literature in individuals affected with TTN-related conditions. This variant is not present in population databases (gnomAD no frequency). This sequence change replaces alanine, which is neutral and non-polar, with glutamic acid, which is acidic and polar, at codon 31784 of the TTN protein (p.Ala31784Glu).

Literature cited by the submitters: PubMed 25589632; PubMed 23975875; PubMed 30666435.

NM_001267550.2(TTN):c.95351C>A (p.Ala31784Glu)

Genes: TTN-AS1 (TTN antisense RNA 1; plus strand), TTN (titin; minus strand). Cytogenetic location: 2q31.2.
Variant type: single nucleotide variant.
Coding change: c.95351C>A on transcript NM_001267550.2 (MANE Select); coding-DNA position 95351, C replaced by A.
Protein change: p.Ala31784Glu; replaces alanine 31784 with glutamic acid.
Molecular consequence: missense variant.
Genome position (GRCh38, 1-based): chr2:178,545,885, G>T on the plus strand (C>A on the coding strand, the complement: TTN is on the minus strand). VCF-style: chr2-178545885-G-T. GRCh37 (hg19) VCF-style: chr2-179410612-G-T.
Other names: c.90428C>A, p.Ala30143Glu (NM_001256850.1); c.68156C>A, p.Ala22719Glu (NM_003319.4); c.87647C>A, p.Ala29216Glu (NM_133378.4); c.68531C>A, p.Ala22844Glu (NM_133432.3); c.68732C>A, p.Ala22911Glu (NM_133437.4); short protein forms A29216E, A31784E, A22719E, A30143E, A22844E, A22911E.
Identifiers: ClinVar variation 2089588 (VCV002089588.4), dbSNP rs1553520967, ClinGen allele CA349462686.